The following is an entry in ClinVar:

NM_001184.4(ATR):c.4297A>G (p.Met1433Val)

Gene: ATR (ATR checkpoint kinase; minus strand). Cytogenetic location: 3q23.
Variant type: single nucleotide variant.
Coding change: c.4297A>G on transcript NM_001184.4 (MANE Select); coding-DNA position 4297, A replaced by G.
Protein change: p.Met1433Val; replaces methionine 1433 with valine.
Molecular consequence: missense variant.
Genome position (GRCh38, 1-based): chr3:142,519,754, T>C on the plus strand (A>G on the coding strand, the complement: ATR is on the minus strand). VCF-style: chr3-142519754-T-C. GRCh37 (hg19) VCF-style: chr3-142238596-T-C.
Other names: c.4105A>G, p.Met1369Val (NM_001354579.2); short protein forms M1369V, M1433V.
Identifiers: ClinVar variation 1739473 (VCV001739473.2), dbSNP rs2473245259, ClinGen allele CA354800362.

ClinVar aggregate classification (germline): Uncertain significance (1 of 4 stars; one submission).

Conditions:
Inborn genetic diseases. Identifiers: MedGen C0950123, MeSH D030342.

Submission:

Ambry Genetics
Classification: Uncertain significance for Inborn genetic diseases. Last evaluated: 2022-10-05. Review status: criteria provided, single submitter. Criteria: Ambry Variant Classification Scheme 2023. Collection method: clinical testing. Allele origin: germline.
Comment: The p.M1433V variant (also known as c.4297A>G), located in coding exon 24 of the ATR gene, results from an A to G substitution at nucleotide position 4297. The methionine at codon 1433 is replaced by valine, an amino acid with highly similar properties. This amino acid position is conserved. In addition, this alteration is predicted to be tolerated by in silico analysis. Since supporting evidence is limited at this time, the clinical significance of this alteration remains unclear.